The following is an entry in ClinVar:

ClinVar aggregate classification (germline): Uncertain significance (1 of 4 stars; one submission).

Allele frequency attached by ClinVar (database versions not stated): gnomAD exomes below 0.00001.

Submission:

Labcorp Genetics (formerly Invitae), Labcorp
Classification: Uncertain significance. Last evaluated: 2024-04-22. Review status: criteria provided, single submitter. Criteria: Invitae Variant Classification Sherloc (09022015). Collection method: clinical testing. Allele origin: germline.
Comment: This sequence change replaces glycine, which is neutral and non-polar, with glutamic acid, which is acidic and polar, at codon 191 of the CLCN2 protein (p.Gly191Glu). This variant is not present in population databases (gnomAD no frequency). This variant has not been reported in the literature in individuals affected with CLCN2-related conditions. Advanced modeling of protein sequence and biophysical properties (such as structural, functional, and spatial information, amino acid conservation, physicochemical variation, residue mobility, and thermodynamic stability) performed at Invitae indicates that this missense variant is not expected to disrupt CLCN2 protein function with a negative predictive value of 80%. In summary, the available evidence is currently insufficient to determine the role of this variant in disease. Therefore, it has been classified as a Variant of Uncertain Significance.

NM_004366.6(CLCN2):c.572G>A (p.Gly191Glu)

Gene: CLCN2 (chloride voltage-gated channel 2; minus strand). Cytogenetic location: 3q27.1.
Variant type: single nucleotide variant.
Coding change: c.572G>A on transcript NM_004366.6 (MANE Select); coding-DNA position 572, G replaced by A.
Protein change: p.Gly191Glu; replaces glycine 191 with glutamic acid.
Molecular consequence: missense variant.
Genome position (GRCh38, 1-based): chr3:184,358,005, C>T on the plus strand (G>A on the coding strand, the complement: CLCN2 is on the minus strand). VCF-style: chr3-184358005-C-T. GRCh37 (hg19) VCF-style: chr3-184075793-C-T.
Other names: c.572G>A, p.Gly191Glu (NM_001171087.3, NM_001171089.3); c.440G>A, p.Gly147Glu (NM_001171088.3); short protein forms G147E, G191E.
Identifiers: ClinVar variation 2754452 (VCV002754452.3), dbSNP rs2474258643, ClinGen allele CA355456730.